The following is an entry in ClinVar:

ClinVar aggregate classification (germline): Benign. Review status: criteria provided, multiple submitters, no conflicts (2 of 4 stars). 3 submissions from 3 submitters: Benign (2). 1 of the submissions does not count toward it. Last evaluated 2024-12-26.

Conditions:
Cataract 36. Identifiers: MedGen C3151304, MONDO:0013484, OMIM 613887.
TDRD7-related disorder. Also called: TDRD7-related condition.

Allele frequency attached by ClinVar (database versions not stated): gnomAD 0.00001 and 0.00052; TOPMed 0.00009; gnomAD exomes 0.00210; ExAC 0.00235; 1000 Genomes Project 0.00319; 1000 Genomes Project 30x 0.00359.
gnomAD v4.1: 1,653 of 1,603,150 alleles (0.1%); highest among the groups gnomAD compares: South Asian, 1.7%; 29 homozygotes.

Submissions (3):

Labcorp Genetics (formerly Invitae), Labcorp
Classification: Benign for Cataract 36. Last evaluated: 2024-12-26. Review status: criteria provided, single submitter. Criteria: Invitae Variant Classification Sherloc (09022015). Collection method: clinical testing. Allele origin: germline.

Illumina Laboratory Services, Illumina
Classification: Benign for Cataract 36. Last evaluated: 2018-01-13. Review status: criteria provided, single submitter. Criteria: ICSL Variant Classification Criteria 13 December 2019. Collection method: clinical testing. Allele origin: germline.
Comment: This variant was observed in the ICSL laboratory as part of a predisposition screen in an ostensibly healthy population. It had not been previously curated by ICSL or reported in the Human Gene Mutation Database (HGMD: prior to June 1st, 2018), and was therefore a candidate for classification through an automated scoring system. Utilizing variant allele frequency, disease prevalence and penetrance estimates, and inheritance mode, an automated score was calculated to assess if this variant is too frequent to cause the disease. Based on the score and internal cut-off values, a variant classified as benign is not then subjected to further curation. The score for this variant resulted in a classification of benign for this disease.

PreventionGenetics, part of Exact Sciences
Classification: Benign for TDRD7-related condition. Last evaluated: 2024-08-08. Review status: no assertion criteria provided. Collection method: clinical testing. Allele origin: germline. Not counted in ClinVar's aggregate classification.
Comment: This variant is classified as benign based on ACMG/AMP sequence variant interpretation guidelines (Richards et al. 2015 PMID: 25741868, with internal and published modifications).

NM_014290.3(TDRD7):c.605A>G (p.His202Arg)

Gene: TDRD7 (tudor domain containing 7; plus strand). Cytogenetic location: 9q22.33.
Variant type: single nucleotide variant.
Coding change: c.605A>G on transcript NM_014290.3 (MANE Select); coding-DNA position 605, A replaced by G.
Protein change: p.His202Arg; replaces histidine 202 with arginine.
Molecular consequence: missense variant.
Genome position (GRCh38, 1-based): chr9:97,439,286, A>G. VCF-style: chr9-97439286-A-G. GRCh37 (hg19) VCF-style: chr9-100201568-A-G.
Other names: c.383A>G, p.His128Arg (NM_001302884.2); short protein forms H202R, H128R.
Identifiers: ClinVar variation 914124 (VCV000914124.14), dbSNP rs200603850, ClinGen allele CA5146491.